The following is an entry in ClinVar:

NM_001366385.1(CARD14):c.2480C>T (p.Pro827Leu)

Genes: SGSH (N-sulfoglucosamine sulfohydrolase; minus strand), CARD14 (caspase recruitment domain family member 14; plus strand), LOC126862662 (MED14-independent group 3 enhancer GRCh37_chr17:78178385-78179584; plus strand). Cytogenetic location: 17q25.3.
Variant type: single nucleotide variant.
Coding change: c.2480C>T on transcript NM_001366385.1 (MANE Select); coding-DNA position 2480, C replaced by T.
Protein change: p.Pro827Leu; replaces proline 827 with leucine.
Molecular consequence: missense variant. On other transcripts: non-coding transcript variant (1).
Genome position (GRCh38, 1-based): chr17:80,205,116, C>T. VCF-style: chr17-80205116-C-T. GRCh37 (hg19) VCF-style: chr17-78178915-C-T.
Other names: c.2480C>T, p.Pro827Leu (NM_024110.4); short protein forms P827L.
Identifiers: ClinVar variation 3759103 (VCV003759103.2).
Genomic context (GRCh38, chr17:80,205,116, plus strand): 5'-CCGAGAGCTGCCTCACCCTGGTGCCCTATACCCTGGTGCGGCCCCATCGACCCGCCCGGC[C>T]CCGGCCTGTGCTCCTCGTGCCCAGGGCGGTTGGGAAGATCCTGAGCGAGAAACTGTGCCT-3'
Protein context (NP_001353314.1, residues 817-837): TLVRPHRPAR[Pro827Leu]RPVLLVPRAV

ClinVar aggregate classification (germline): Uncertain significance (1 of 4 stars; one submission).

Conditions:
Pityriasis rubra pilaris (PRP). Also called: Pityriasis rubra pilaris--familial type. Identifiers: Orphanet 2897, MedGen C0032027, MONDO:0100017, OMIM 173200, MONDO:0008251.
Psoriasis 2. Identifiers: MedGen C1864497, MONDO:0011269, OMIM 602723.

Submission:

Labcorp Genetics (formerly Invitae), Labcorp
Classification: Uncertain significance for Pityriasis rubra pilaris; Psoriasis 2. Last evaluated: 2024-10-16. Review status: criteria provided, single submitter. Criteria: Invitae Variant Classification Sherloc (09022015). Collection method: clinical testing. Allele origin: germline.
Comment: This sequence change replaces proline, which is neutral and non-polar, with leucine, which is neutral and non-polar, at codon 827 of the CARD14 protein (p.Pro827Leu). This variant is not present in population databases (gnomAD no frequency). This variant has not been reported in the literature in individuals affected with CARD14-related conditions. Invitae Evidence Modeling of protein sequence and biophysical properties (such as structural, functional, and spatial information, amino acid conservation, physicochemical variation, residue mobility, and thermodynamic stability) indicates that this missense variant is not expected to disrupt CARD14 protein function with a negative predictive value of 95%. In summary, the available evidence is currently insufficient to determine the role of this variant in disease. Therefore, it has been classified as a Variant of Uncertain Significance.